The following is an entry in ClinVar:

NM_000276.4(OCRL):c.1972G>A (p.Val658Ile)

Gene: OCRL (OCRL inositol polyphosphate-5-phosphatase; plus strand). Cytogenetic location: Xq26.1.
Variant type: single nucleotide variant.
Coding change: c.1972G>A on transcript NM_000276.4 (MANE Select); coding-DNA position 1972, G replaced by A.
Protein change: p.Val658Ile; replaces valine 658 with isoleucine.
Molecular consequence: missense variant.
Genome position (GRCh38, 1-based): chrX:129,576,409, G>A. VCF-style: chrX-129576409-G-A. GRCh37 (hg19) VCF-style: chrX-128710386-G-A.
Other names: c.1975G>A, p.Val659Ile (NM_001318784.2); c.1972G>A, p.Val658Ile (NM_001587.4); short protein forms V658I, V659I.
Identifiers: ClinVar variation 1984804 (VCV001984804.2), dbSNP rs757516354, ClinGen allele CA414620972.

ClinVar aggregate classification (germline): Uncertain significance (1 of 4 stars; one submission).

Conditions:
Lowe syndrome (OCRL). Also called: Oculocerebrorenal Syndrome; LOWE OCULOCEREBRORENAL SYNDROME; PHOSPHATIDYLINOSITOL 4,5-BISPHOSPHATE 5-PHOSPHATASE DEFICIENCY. Identifiers: Orphanet 534, MedGen C0028860, MONDO:0010645, OMIM 309000.

Allele frequency attached by ClinVar (database versions not stated): gnomAD exomes 0.00001.

Submission:

Labcorp Genetics (formerly Invitae), Labcorp
Classification: Uncertain significance for Lowe syndrome. Last evaluated: 2025-11-07. Review status: criteria provided, single submitter. Criteria: Invitae Variant Classification Sherloc (09022015). Collection method: clinical testing. Allele origin: germline.
Comment: This sequence change replaces valine, which is neutral and non-polar, with isoleucine, which is neutral and non-polar, at codon 658 of the OCRL protein (p.Val658Ile). This variant is present in population databases (no rsID available, gnomAD 0.001%). This variant has not been reported in the literature in individuals affected with OCRL-related conditions. ClinVar contains an entry for this variant (Variation ID: 1984804). Invitae Evidence Modeling of protein sequence and biophysical properties (such as structural, functional, and spatial information, amino acid conservation, physicochemical variation, residue mobility, and thermodynamic stability) indicates that this missense variant is not expected to disrupt OCRL protein function with a negative predictive value of 80%. In summary, the available evidence is currently insufficient to determine the role of this variant in disease. Therefore, it has been classified as a Variant of Uncertain Significance.